The following is an entry in ClinVar:

NM_005544.3(IRS1):c.3614C>A (p.Pro1205Gln)

Gene: IRS1 (insulin receptor substrate 1; minus strand). Cytogenetic location: 2q36.3.
Variant type: single nucleotide variant.
Coding change: c.3614C>A on transcript NM_005544.3 (MANE Select); coding-DNA position 3614, C replaced by A.
Protein change: p.Pro1205Gln; replaces proline 1205 with glutamine.
Molecular consequence: missense variant.
Genome position (GRCh38, 1-based): chr2:226,795,125, G>T on the plus strand (C>A on the coding strand, the complement: IRS1 is on the minus strand). VCF-style: chr2-226795125-G-T. GRCh37 (hg19) VCF-style: chr2-227659841-G-T.
Other names: short protein forms P1205Q.
Identifiers: ClinVar variation 4534007 (VCV004534007.6).
Genomic context (GRCh38, chr2:226,795,125, plus strand): 5'-TCCTCACTTGAGCGGCGGGTGGAGCTGCTCTCACCGCTGCCCAGGGGTTGATGAGGGGGT[G>T]GGGGTGGGGGAGGCTGCGGTTCAGGGGTGCACTCCTGAGGGCACTGTTTGAAGTCCTTGA-3'
Protein context (NP_005535.1, residues 1195-1215): CTPEPQPPPP[Pro1205Gln]PPHQPLGSGE

ClinVar aggregate classification (germline): Likely benign (1 of 4 stars; one submission).

Submission:

CeGaT Center for Human Genetics Tuebingen
Classification: Likely benign. Last evaluated: 2025-10-01. Review status: criteria provided, single submitter. Criteria: CeGaT Center For Human Genetics Tuebingen Variant Classification Criteria Version 2. Collection method: clinical testing. Allele origin: germline. Affected: yes. Observed: 1 variant allele.
Comment: IRS1: BP4, BS2